The following is an entry in ClinVar:

NM_182961.4(SYNE1):c.12215C>T (p.Ala4072Val)

Gene: SYNE1 (spectrin repeat containing nuclear envelope protein 1; minus strand). Cytogenetic location: 6q25.2.
Variant type: single nucleotide variant.
Coding change: c.12215C>T on transcript NM_182961.4 (MANE Select); coding-DNA position 12215, C replaced by T.
Protein change: p.Ala4072Val; replaces alanine 4072 with valine.
Molecular consequence: missense variant.
Genome position (GRCh38, 1-based): chr6:152,344,091, G>A on the plus strand (C>T on the coding strand, the complement: SYNE1 is on the minus strand). VCF-style: chr6-152344091-G-A. GRCh37 (hg19) VCF-style: chr6-152665226-G-A.
Other names: c.12002C>T, p.Ala4001Val (NM_033071.5); short protein forms A4072V, A4001V.
Identifiers: ClinVar variation 1967712 (VCV001967712.5), dbSNP rs759194073, ClinGen allele CA4056475.

ClinVar aggregate classification (germline): Uncertain significance (1 of 4 stars; one submission).

Conditions:
Emery-Dreifuss muscular dystrophy 4, autosomal dominant (EDMD4). Also called: EMERY-DREIFUSS MUSCULAR DYSTROPHY 4 WITH VARIABLE FEATURES. Identifiers: Orphanet 261, MedGen C2751807, MONDO:0013071, OMIM 612998.
Autosomal recessive ataxia, Beauce type. Also called: SYNE1 Deficiency; Spinocerebellar ataxia, autosomal recessive 8; ATAXIA, RECESSIVE, OF BEAUCE; SYNE1-Related Autosomal Recessive Cerebellar Ataxia. Identifiers: Orphanet 88644, MedGen C1853116, MONDO:0012549, OMIM 610743.

Allele frequency attached by ClinVar (database versions not stated): gnomAD exomes below 0.00001; TOPMed below 0.00001; ExAC 0.00001.
gnomAD v4.1: 2 of 1,614,174 alleles (0.00012%); highest among the groups gnomAD compares: Admixed American, 0.0033%; no homozygotes.

Submission:

Labcorp Genetics (formerly Invitae), Labcorp
Classification: Uncertain significance for Emery-Dreifuss muscular dystrophy 4, autosomal dominant; Autosomal recessive ataxia, Beauce type. Last evaluated: 2022-11-08. Review status: criteria provided, single submitter. Criteria: Invitae Variant Classification Sherloc (09022015). Collection method: clinical testing. Allele origin: germline.
Comment: In summary, the available evidence is currently insufficient to determine the role of this variant in disease. Therefore, it has been classified as a Variant of Uncertain Significance. Algorithms developed to predict the effect of missense changes on protein structure and function (SIFT, PolyPhen-2, Align-GVGD) all suggest that this variant is likely to be disruptive. This variant has not been reported in the literature in individuals affected with SYNE1-related conditions. This variant is present in population databases (rs759194073, gnomAD 0.006%). This sequence change replaces alanine, which is neutral and non-polar, with valine, which is neutral and non-polar, at codon 4001 of the SYNE1 protein (p.Ala4001Val).